The following is an entry in ClinVar:

ClinVar aggregate classification (germline): Likely benign (1 of 4 stars; one submission).

gnomAD v4.1: 2 of 1,565,242 alleles (0.00013%); highest among the groups gnomAD compares: South Asian, 0.0024%; no homozygotes.

Submission:

CeGaT Center for Human Genetics Tuebingen
Classification: Likely benign. Last evaluated: 2025-11-01. Review status: criteria provided, single submitter. Criteria: CeGaT Center For Human Genetics Tuebingen Variant Classification Criteria Version 2. Collection method: clinical testing. Allele origin: germline. Affected: yes. Observed: 1 variant allele.
Comment: AP1B1: BP4, BP7

NM_001127.4(AP1B1):c.1980C>A (p.Gly660=)

Gene: AP1B1 (adaptor related protein complex 1 subunit beta 1; minus strand). Cytogenetic location: 22q12.2.
Variant type: single nucleotide variant.
Coding change: c.1980C>A on transcript NM_001127.4 (MANE Select); coding-DNA position 1980, C replaced by A.
Protein change: p.Gly660=; no amino-acid change (glycine 660 retained).
Molecular consequence: synonymous variant.
Genome position (GRCh38, 1-based): chr22:29,340,674, G>T on the plus strand (C>A on the coding strand, the complement: AP1B1 is on the minus strand). VCF-style: chr22-29340674-G-T. GRCh37 (hg19) VCF-style: chr22-29736663-G-T.
Other names: c.1980C>A, p.Gly660= (NM_001166019.2, NM_001378562.1, NM_001378563.1 and 1 more transcripts); c.1809C>A, p.Gly603= (NM_001378564.1, NM_001378565.1); c.1794C>A, p.Gly598= (NM_001378566.1).
Identifiers: ClinVar variation 4535183 (VCV004535183.6).